The following is an entry in ClinVar:

NM_015340.4(LARS2):c.478C>T (p.Gln160Ter)

Gene: LARS2 (leucyl-tRNA synthetase 2, mitochondrial; plus strand). Cytogenetic location: 3p21.31.
Variant type: single nucleotide variant.
Coding change: c.478C>T on transcript NM_015340.4 (MANE Select); coding-DNA position 478, C replaced by T.
Protein change: p.Gln160Ter; replaces glutamine 160 with a stop codon.
Molecular consequence: nonsense.
Genome position (GRCh38, 1-based): chr3:45,419,691, C>T. VCF-style: chr3-45419691-C-T. GRCh37 (hg19) VCF-style: chr3-45461183-C-T.
Other names: c.478C>T, p.Gln160Ter (NM_001368263.1); short protein forms Q160*.
Identifiers: ClinVar variation 1970089 (VCV001970089.5), dbSNP rs752015037, ClinGen allele CA2349322.

ClinVar aggregate classification (germline): Pathogenic (1 of 4 stars; one submission).

Allele frequency attached by ClinVar (database versions not stated): TOPMed below 0.00001; ExAC 0.00001.
gnomAD v4.1: 18 of 1,613,926 alleles (0.0011%); highest among the groups gnomAD compares: Non-Finnish European, 0.0014%; no homozygotes.

Submission:

Labcorp Genetics (formerly Invitae), Labcorp
Classification: Pathogenic. Last evaluated: 2023-08-04. Review status: criteria provided, single submitter. Criteria: Invitae Variant Classification Sherloc (09022015). Collection method: clinical testing. Allele origin: germline.
Comment: This sequence change creates a premature translational stop signal (p.Gln160*) in the LARS2 gene. It is expected to result in an absent or disrupted protein product. Loss-of-function variants in LARS2 are known to be pathogenic (PMID: 30737337). This variant is present in population databases (rs752015037, gnomAD 0.0009%). This variant has not been reported in the literature in individuals affected with LARS2-related conditions. ClinVar contains an entry for this variant (Variation ID: 1970089). Algorithms developed to predict the effect of sequence changes on RNA splicing suggest that this variant may disrupt the consensus splice site. For these reasons, this variant has been classified as Pathogenic.

Literature cited by the submitters: PubMed 30737337.